The following is an entry in ClinVar:

ClinVar aggregate classification (germline): Uncertain significance (1 of 4 stars; one submission).

Conditions:
Colorectal cancer, hereditary nonpolyposis, type 7. Identifiers: Orphanet 144, MedGen C1858380, MONDO:0013725, OMIM 614385.

Submission:

Labcorp Genetics (formerly Invitae), Labcorp
Classification: Uncertain significance for Colorectal cancer, hereditary nonpolyposis, type 7. Last evaluated: 2021-06-30. Review status: criteria provided, single submitter. Criteria: Invitae Variant Classification Sherloc (09022015). Collection method: clinical testing. Allele origin: germline.
Comment: This sequence change replaces arginine with methionine at codon 261 of the MLH3 protein (p.Arg261Met). The arginine residue is weakly conserved and there is a moderate physicochemical difference between arginine and methionine. This variant is not present in population databases (ExAC no frequency). This variant has not been reported in the literature in individuals affected with MLH3-related conditions. Algorithms developed to predict the effect of missense changes on protein structure and function are either unavailable or do not agree on the potential impact of this missense change (SIFT: "Deleterious"; PolyPhen-2: "Possibly Damaging"; Align-GVGD: "Class C0"). In summary, the available evidence is currently insufficient to determine the role of this variant in disease. Therefore, it has been classified as a Variant of Uncertain Significance.

NM_001040108.2(MLH3):c.782G>T (p.Arg261Met)

Gene: MLH3 (mutL homolog 3; minus strand). Cytogenetic location: 14q24.3.
Variant type: single nucleotide variant.
Coding change: c.782G>T on transcript NM_001040108.2 (MANE Select); coding-DNA position 782, G replaced by T.
Protein change: p.Arg261Met; replaces arginine 261 with methionine.
Molecular consequence: missense variant.
Genome position (GRCh38, 1-based): chr14:75,048,874, C>A on the plus strand (G>T on the coding strand, the complement: MLH3 is on the minus strand). VCF-style: chr14-75048874-C-A. GRCh37 (hg19) VCF-style: chr14-75515577-C-A.
Other names: c.782G>T, p.Arg261Met (NM_014381.3); short protein forms R261M.
Identifiers: ClinVar variation 1502449 (VCV001502449.8), dbSNP rs2139599422, ClinGen allele CA390449095.